The following is an entry in ClinVar:

ClinVar aggregate classification (germline): Likely benign. Review status: criteria provided, multiple submitters, no conflicts (2 of 4 stars). 4 submissions from 4 submitters: Likely benign (4). Last evaluated 2026-09-25.

Conditions:
HSPB1-related disorder. Also called: HSPB1-related disorders; HSPB1-related condition.
Charcot-Marie-Tooth disease axonal type 2F (CMT2F). Also called: CHARCOT-MARIE-TOOTH DISEASE, NEURONAL, TYPE 2F; Charcot-Marie-Tooth Neuropathy Type 2F. Identifiers: Orphanet 99940, MedGen C1847823, MONDO:0011687, OMIM 606595.

Allele frequency attached by ClinVar (database versions not stated): TOPMed 0.00004.

Submissions (4):

PreventionGenetics, part of Exact Sciences
Classification: Likely benign for HSPB1-related condition. Last evaluated: 2026-09-25. Review status: criteria provided, single submitter. Criteria: ACMG Guidelines, 2015. Collection method: clinical testing. Allele origin: germline.
Comment: This variant is classified as likely benign based on ACMG/AMP sequence variant interpretation guidelines (Richards et al. 2015 PMID: 25741868, with internal and published modifications).

Labcorp Genetics (formerly Invitae), Labcorp
Classification: Likely benign for Charcot-Marie-Tooth disease axonal type 2F. Last evaluated: 2025-12-02. Review status: criteria provided, single submitter. Criteria: Invitae Variant Classification Sherloc (09022015). Collection method: clinical testing. Allele origin: germline.

Athena Diagnostics
Classification: Likely benign. Last evaluated: 2020-02-20. Review status: criteria provided, single submitter. Criteria: Athena Diagnostics Criteria. Collection method: clinical testing. Allele origin: unknown.

GeneDx
Classification: Likely benign. Last evaluated: 2019-12-04. Review status: criteria provided, single submitter. Criteria: GeneDx Variant Classification Process June 2021. Collection method: clinical testing. Allele origin: germline. Affected: yes.

NM_001540.5(HSPB1):c.365-5C>T

Gene: HSPB1 (heat shock protein family B (small) member 1; plus strand). Cytogenetic location: 7q11.23.
Variant type: single nucleotide variant.
Coding change: c.365-5C>T on transcript NM_001540.5 (MANE Select); 5 bases into the intron before coding-DNA position 365, C replaced by T.
Molecular consequence: intron variant.
Genome position (GRCh38, 1-based): chr7:76,303,797, C>T. VCF-style: chr7-76303797-C-T. GRCh37 (hg19) VCF-style: chr7-75933114-C-T.
Other names: c.365-5C>T (LRG_248t1).
Identifiers: ClinVar variation 465271 (VCV000465271.14), dbSNP rs368936457, ClinGen allele CA4306361.